The following is an entry in ClinVar:

NM_182914.3(SYNE2):c.1352A>G (p.Asp451Gly)

Gene: SYNE2 (spectrin repeat containing nuclear envelope protein 2; plus strand). Cytogenetic location: 14q23.2.
Variant type: single nucleotide variant.
Coding change: c.1352A>G on transcript NM_182914.3 (MANE Select); coding-DNA position 1352, A replaced by G.
Protein change: p.Asp451Gly; replaces aspartic acid 451 with glycine.
Molecular consequence: missense variant.
Genome position (GRCh38, 1-based): chr14:63,977,963, A>G. VCF-style: chr14-63977963-A-G. GRCh37 (hg19) VCF-style: chr14-64444681-A-G.
Other names: c.1352A>G, p.Asp451Gly (NM_015180.6); short protein forms D451G.
Identifiers: ClinVar variation 2812423 (VCV002812423.3), dbSNP rs1215962448, ClinGen allele CA389955827.

ClinVar aggregate classification (germline): Uncertain significance (1 of 4 stars; one submission).

Conditions:
Emery-Dreifuss muscular dystrophy 5, autosomal dominant (EDMD5). Also called: EMERY-DREIFUSS MUSCULAR DYSTROPHY 5. Identifiers: Orphanet 261, MedGen C2751805, MONDO:0013072, OMIM 612999.

Allele frequency attached by ClinVar (database versions not stated): gnomAD exomes below 0.00001; TOPMed 0.00001.
gnomAD v4.1: 2 of 1,614,062 alleles (0.00012%); highest among the groups gnomAD compares: East Asian, 0.0022%; no homozygotes.

Submission:

Labcorp Genetics (formerly Invitae), Labcorp
Classification: Uncertain significance for Emery-Dreifuss muscular dystrophy 5, autosomal dominant. Last evaluated: 2023-11-13. Review status: criteria provided, single submitter. Criteria: Invitae Variant Classification Sherloc (09022015). Collection method: clinical testing. Allele origin: germline.
Comment: This sequence change replaces aspartic acid, which is acidic and polar, with glycine, which is neutral and non-polar, at codon 451 of the SYNE2 protein (p.Asp451Gly). This variant is present in population databases (no rsID available, gnomAD 0.01%). This variant has not been reported in the literature in individuals affected with SYNE2-related conditions. An algorithm developed to predict the effect of missense changes on protein structure and function (PolyPhen-2) suggests that this variant is likely to be disruptive. In summary, the available evidence is currently insufficient to determine the role of this variant in disease. Therefore, it has been classified as a Variant of Uncertain Significance.